The following is an entry in ClinVar:

NM_000088.4(COL1A1):c.804+1G>A

Genes: COL1A1 (collagen type I alpha 1 chain; minus strand), LOC126862586 (CDK7 strongly-dependent group 2 enhancer GRCh37_chr17:48273702-48274901; plus strand). Cytogenetic location: 17q21.33.
Variant type: single nucleotide variant.
Coding change: c.804+1G>A on transcript NM_000088.4 (MANE Select); the canonical splice donor site of the intron after coding-DNA position 804, G replaced by A.
Molecular consequence: splice donor variant.
Genome position (GRCh38, 1-based): chr17:50,197,009, C>T on the plus strand (G>A on the coding strand, the complement: COL1A1 is on the minus strand). VCF-style: chr17-50197009-C-T. GRCh37 (hg19) VCF-style: chr17-48274370-C-T.
Other names: c.804+1G>A (NM_000088.3).
Identifiers: ClinVar variation 1457922 (VCV001457922.10), dbSNP rs1057518930, ClinGen allele CA400223631.

ClinVar aggregate classification (germline): Pathogenic. Review status: criteria provided, multiple submitters, no conflicts (2 of 4 stars). 3 submissions from 3 submitters: Pathogenic (3). Last evaluated 2026-01-19.

Conditions:
Osteogenesis imperfecta type I (OI1). Also called: Lobstein disease; Classic Non-deforming Osteogenesis Imperfecta with Blue Sclerae; OI, TYPE I; OSTEOGENESIS IMPERFECTA TARDA; OSTEOGENESIS IMPERFECTA WITH BLUE SCLERAE; Osteogenesis imperfecta type 1. Identifiers: Orphanet 216796, Orphanet 666, MedGen C0023931, MONDO:0008146, OMIM 166200. Disease mechanism: loss of function.
COL1A1-related disorder. Also called: COL1A1- related disease; COL1A1-related condition.

Submissions (3):

Labcorp Genetics (formerly Invitae), Labcorp
Classification: Pathogenic for Osteogenesis imperfecta type I. Last evaluated: 2026-01-19. Review status: criteria provided, single submitter. Criteria: Invitae Variant Classification Sherloc (09022015). Collection method: clinical testing. Allele origin: germline.
Comment: This sequence change affects a donor splice site in intron 11 of the COL1A1 gene. It is expected to disrupt RNA splicing. Variants that disrupt the donor or acceptor splice site typically lead to a loss of protein function (PMID: 16199547), and loss-of-function variants in COL1A1 are known to be pathogenic (PMID: 7942841, 9295084, 9443882). This variant is not present in population databases (gnomAD no frequency). Disruption of this splice site has been observed in individual(s) with autosomal dominant osteogenesis imperfecta (PMID: 30715774). ClinVar contains an entry for this variant (Variation ID: 1457922). Algorithms developed to predict the effect of sequence changes on RNA splicing suggest that this variant may disrupt the consensus splice site. For these reasons, this variant has been classified as Pathogenic.

Greenwood Genetic Center Diagnostic Laboratories, Greenwood Genetic Center
Classification: Pathogenic for COL1A1-related disorder. Last evaluated: 2025-05-05. Review status: criteria provided, single submitter. Criteria: ACMG Guidelines, 2015. Collection method: clinical testing. Allele origin: germline. Affected: yes.
Comment: PVS1, PS4_Moderate, PM2

Mayo Clinic Laboratories, Mayo Clinic
Classification: Pathogenic. Last evaluated: 2023-12-20. Review status: criteria provided, single submitter. Criteria: ACMG Guidelines, 2015. Collection method: clinical testing. Allele origin: germline. Observed: 1 variant allele.
Comment: PM1_strong, PM2, PS4_moderate, PVS1_strong

Literature cited by the submitters: PubMed 16199547 (cited by Labcorp Genetics (formerly Invitae), Labcorp); PubMed 7942841 (cited by Labcorp Genetics (formerly Invitae), Labcorp); PubMed 9295084 (cited by Labcorp Genetics (formerly Invitae), Labcorp); PubMed 9443882 (cited by Labcorp Genetics (formerly Invitae), Labcorp); PubMed 30715774 (cited by Labcorp Genetics (formerly Invitae), Labcorp); PubMed 31447884 (cited by Mayo Clinic Laboratories, Mayo Clinic); PubMed 32166892 (cited by Mayo Clinic Laboratories, Mayo Clinic); PubMed 34358384 (cited by Mayo Clinic Laboratories, Mayo Clinic).